The following is an entry in ClinVar:

ClinVar aggregate classification (germline): Uncertain significance (1 of 4 stars; one submission).

Conditions:
Brody myopathy. Also called: BRODY DISEASE. Identifiers: Orphanet 53347, MedGen C1832918, MONDO:0010977, OMIM 601003.

Allele frequency attached by ClinVar (database versions not stated): gnomAD exomes below 0.00001.
gnomAD v4.1: 2 of 1,614,102 alleles (0.00012%); highest among the groups gnomAD compares: African/African-American, 0.0013%; no homozygotes.

Submission:

Labcorp Genetics (formerly Invitae), Labcorp
Classification: Uncertain significance for Brody myopathy. Last evaluated: 2022-11-08. Review status: criteria provided, single submitter. Criteria: Invitae Variant Classification Sherloc (09022015). Collection method: clinical testing. Allele origin: germline.
Comment: This variant is present in population databases (no rsID available, gnomAD 0.0009%). This variant has not been reported in the literature in individuals affected with ATP2A1-related conditions. This sequence change replaces alanine, which is neutral and non-polar, with valine, which is neutral and non-polar, at codon 853 of the ATP2A1 protein (p.Ala853Val). In summary, the available evidence is currently insufficient to determine the role of this variant in disease. Therefore, it has been classified as a Variant of Uncertain Significance. Algorithms developed to predict the effect of missense changes on protein structure and function (SIFT, PolyPhen-2, Align-GVGD) all suggest that this variant is likely to be tolerated.

NM_004320.6(ATP2A1):c.2558C>T (p.Ala853Val)

Gene: ATP2A1 (ATPase sarcoplasmic/endoplasmic reticulum Ca2+ transporting 1; plus strand). Cytogenetic location: 16p11.2.
Variant type: single nucleotide variant.
Coding change: c.2558C>T on transcript NM_004320.6 (MANE Select); coding-DNA position 2558, C replaced by T.
Protein change: p.Ala853Val; replaces alanine 853 with valine.
Molecular consequence: missense variant.
Genome position (GRCh38, 1-based): chr16:28,902,613, C>T. VCF-style: chr16-28902613-C-T. GRCh37 (hg19) VCF-style: chr16-28913934-C-T.
Other names: c.2183C>T, p.Ala728Val (NM_001286075.2); c.2558C>T, p.Ala853Val (NM_173201.5); short protein forms A728V, A853V.
Identifiers: ClinVar variation 1956058 (VCV001956058.4), dbSNP rs1252557874, ClinGen allele CA395414750.